The following is an entry in ClinVar:

ClinVar aggregate classification (germline): Benign (1 of 4 stars; one submission).

Conditions:
Deficiency of acetyl-CoA acetyltransferase. Also called: Beta-ketothiolase deficiency; 3-KETOTHIOLASE DEFICIENCY; 3-OXOTHIOLASE DEFICIENCY; MITOCHONDRIAL ACETOACETYL-CoA THIOLASE DEFICIENCY. Identifiers: Orphanet 134, MedGen C1536500, MONDO:0008760, OMIM 203750. Disease mechanism: loss of function.

Allele frequency attached by ClinVar (database versions not stated): 1000 Genomes Project 0.00779; gnomAD 0.00780 and 0.00839; 1000 Genomes Project 30x 0.00843; gnomAD exomes 0.00084; TOPMed 0.00939.

Submission:

Illumina Laboratory Services, Illumina
Classification: Benign for Deficiency of acetyl-CoA acetyltransferase. Last evaluated: 2018-01-13. Review status: criteria provided, single submitter. Criteria: ICSL Variant Classification Criteria 13 December 2019. Collection method: clinical testing. Allele origin: germline.
Comment: This variant was observed in the ICSL laboratory as part of a predisposition screen in an ostensibly healthy population. It had not been previously curated by ICSL or reported in the Human Gene Mutation Database (HGMD: prior to June 1st, 2018), and was therefore a candidate for classification through an automated scoring system. Utilizing variant allele frequency, disease prevalence and penetrance estimates, and inheritance mode, an automated score was calculated to assess if this variant is too frequent to cause the disease. Based on the score and internal cut-off values, a variant classified as benign is not then subjected to further curation. The score for this variant resulted in a classification of benign for this disease.

NM_000019.3(ACAT1):c.*214G>C

Gene: ACAT1 (acetyl-CoA acetyltransferase 1; plus strand). Cytogenetic location: 11q22.3.
Variant type: single nucleotide variant.
Coding change: c.*214G>C on transcript NM_000019.3; 214 bases downstream of the stop codon, G replaced by C.
Genome position (GRCh38, 1-based): chr11:108,147,604, G>C. VCF-style: chr11-108147604-G-C. GRCh37 (hg19) VCF-style: chr11-108018331-G-C.
Identifiers: ClinVar variation 302215 (VCV000302215.7), dbSNP rs145690535, ClinGen allele CA10636980.